The following is an entry in ClinVar:

ClinVar aggregate classification (germline): Likely pathogenic. Review status: criteria provided, multiple submitters, no conflicts (2 of 4 stars). 2 submissions from 2 submitters: Likely pathogenic (2). Last evaluated 2024-03-04.

Conditions:
Warsaw breakage syndrome (WABS). Also called: DDX11-Related Cohesinopathy. Identifiers: Orphanet 280558, MedGen C3150658, MONDO:0013252, OMIM 613398.

Allele frequency attached by ClinVar (database versions not stated): gnomAD 0.00001; gnomAD exomes 0.00001; ExAC 0.00004; TOPMed 0.00004.
gnomAD v4.1: 20 of 1,612,568 alleles (0.0012%); highest among the groups gnomAD compares: Admixed American, 0.027%; no homozygotes.

Submissions (2):

Fulgent Genetics
Classification: Likely pathogenic for Warsaw breakage syndrome. Last evaluated: 2024-03-04. Review status: criteria provided, single submitter. Criteria: ACMG Guidelines, 2015. Collection method: clinical testing. Allele origin: germline.

Women's Health and Genetics/Laboratory Corporation of America, LabCorp
Classification: Likely pathogenic for Warsaw breakage syndrome. Last evaluated: 2023-10-20. Review status: criteria provided, single submitter. Criteria: LabCorp Variant Classification Summary - May 2015. Collection method: clinical testing. Allele origin: germline.
Comment: Variant summary: DDX11 c.792+1G>A is located in a canonical splice-site and is predicted to affect mRNA splicing resulting in a significantly altered protein due to either exon skipping, shortening, or inclusion of intronic material. Several computational tools predict a significant impact on normal splicing: Four predict the variant abolishes a canonical 5' splicing donor site. However, these predictions have yet to be confirmed by functional studies. The variant allele was found at a frequency of 4e-05 in 250638 control chromosomes (gnomAD). To our knowledge, no occurrence of c.792+1G>A in individuals affected with Warsaw Breakage Syndrome and no experimental evidence demonstrating its impact on protein function have been reported in peer-reviewed publications. No submitters have cited clinical-significance assessments for this variant to ClinVar after 2014. Based on the evidence outlined above, the variant was classified as likely pathogenic.

NM_030653.4(DDX11):c.792+1G>A

Gene: DDX11 (DEAD/H-box helicase 11; plus strand). Cytogenetic location: 12p11.21.
Variant type: single nucleotide variant.
Coding change: c.792+1G>A on transcript NM_030653.4 (MANE Select); the canonical splice donor site of the intron after coding-DNA position 792, G replaced by A.
Molecular consequence: splice donor variant.
Genome position (GRCh38, 1-based): chr12:31,089,152, G>A. VCF-style: chr12-31089152-G-A. GRCh37 (hg19) VCF-style: chr12-31242086-G-A.
Other names: c.792+1G>A (NM_001413693.1, NM_152438.2, NM_004399.3 and 5 more transcripts); c.-70+1G>A (NM_001413705.1, NM_001413704.1); c.-87+1G>A (NM_001413706.1); c.705+1G>A (NM_001413700.1); c.264+1G>A (NM_001413702.1, NM_001413703.1); c.714+1G>A (NM_001413697.1, NM_001413699.1, NM_001257145.2 and 1 more transcripts).
Identifiers: ClinVar variation 2637847 (VCV002637847.2), dbSNP rs752448493, ClinGen allele CA6500924.